The following is an entry in ClinVar:

NM_001040151.2(SCN3B):c.395G>C (p.Arg132Pro)

Gene: SCN3B (sodium voltage-gated channel beta subunit 3; minus strand). Cytogenetic location: 11q24.1.
Variant type: single nucleotide variant.
Coding change: c.395G>C on transcript NM_001040151.2 (MANE Select); coding-DNA position 395, G replaced by C.
Protein change: p.Arg132Pro; replaces arginine 132 with proline.
Molecular consequence: missense variant.
Genome position (GRCh38, 1-based): chr11:123,642,496, C>G on the plus strand (G>C on the coding strand, the complement: SCN3B is on the minus strand). VCF-style: chr11-123642496-C-G. GRCh37 (hg19) VCF-style: chr11-123513204-C-G.
Other names: c.395G>C, p.Arg132Pro (NM_018400.4); short protein forms R132P.
Identifiers: ClinVar variation 3950940 (VCV003950940.1).

ClinVar aggregate classification (germline): Uncertain significance (1 of 4 stars; one submission).

Conditions:
Cardiovascular phenotype. Identifiers: MedGen CN230736.

Submission:

Ambry Genetics
Classification: Uncertain significance for Cardiovascular phenotype. Last evaluated: 2025-06-01. Review status: criteria provided, single submitter. Criteria: Ambry Variant Classification Scheme 2023. Collection method: clinical testing. Allele origin: germline.
Comment: The p.R132P variant (also known as c.395G>C), located in coding exon 3 of the SCN3B gene, results from a G to C substitution at nucleotide position 395. The arginine at codon 132 is replaced by proline, an amino acid with dissimilar properties. This amino acid position is conserved. In addition, the in silico prediction for this alteration is inconclusive. Based on the available evidence, the clinical significance of this variant remains unclear.